The following is an entry in ClinVar:

NM_001429.4(EP300):c.2838C>G (p.Ser946Arg)

Genes: EP300 (EP300 lysine acetyltransferase; plus strand), LOC126863158 (BRD4-independent group 4 enhancer GRCh37_chr22:41547383-41548582; plus strand). Cytogenetic location: 22q13.2.
Variant type: single nucleotide variant.
Coding change: c.2838C>G on transcript NM_001429.4 (MANE Select); coding-DNA position 2838, C replaced by G.
Protein change: p.Ser946Arg; replaces serine 946 with arginine.
Molecular consequence: missense variant.
Genome position (GRCh38, 1-based): chr22:41,151,853, C>G. VCF-style: chr22-41151853-C-G. GRCh37 (hg19) VCF-style: chr22-41547857-C-G.
Other names: c.2760C>G, p.Ser920Arg (NM_001362843.2); short protein forms S920R, S946R.
Identifiers: ClinVar variation 1304135 (VCV001304135.7), dbSNP rs2059047440, ClinGen allele CA411692688.

ClinVar aggregate classification (germline): Uncertain significance. Review status: criteria provided, multiple submitters, no conflicts (2 of 4 stars). 4 submissions from 4 submitters: Uncertain significance (3). 1 of the submissions does not count toward it. Last evaluated 2024-11-07.

Conditions:
EP300-related disorder. Also called: EP300-related disorders; EP300-related condition.
Rubinstein-Taybi syndrome due to EP300 haploinsufficiency. Also called: RUBINSTEIN-TAYBI SYNDROME 2; EP300-Related Rubinstein-Taybi Syndrome. Identifiers: Orphanet 353284, Orphanet 783, MedGen C3150941, MONDO:0013364, OMIM 613684.
Inborn genetic diseases. Identifiers: MedGen C0950123, MeSH D030342.

Allele frequency attached by ClinVar (database versions not stated): TOPMed below 0.00001.
gnomAD v4.1: 1 of 1,614,132 alleles (0.000062%); highest among the groups gnomAD compares: Non-Finnish European, 0.000085%; no homozygotes.

Submissions (4):

Ambry Genetics
Classification: Uncertain significance for Inborn genetic diseases. Last evaluated: 2024-11-07. Review status: criteria provided, single submitter. Criteria: Ambry Variant Classification Scheme 2023. Collection method: clinical testing. Allele origin: germline.

Labcorp Genetics (formerly Invitae), Labcorp
Classification: Uncertain significance for Rubinstein-Taybi syndrome due to EP300 haploinsufficiency. Last evaluated: 2023-12-01. Review status: criteria provided, single submitter. Criteria: Invitae Variant Classification Sherloc (09022015). Collection method: clinical testing. Allele origin: germline.
Comment: This sequence change replaces serine, which is neutral and polar, with arginine, which is basic and polar, at codon 946 of the EP300 protein (p.Ser946Arg). This variant is not present in population databases (gnomAD no frequency). This variant has not been reported in the literature in individuals affected with EP300-related conditions. ClinVar contains an entry for this variant (Variation ID: 1304135). Advanced modeling of protein sequence and biophysical properties (such as structural, functional, and spatial information, amino acid conservation, physicochemical variation, residue mobility, and thermodynamic stability) performed at Invitae indicates that this missense variant is not expected to disrupt EP300 protein function with a negative predictive value of 80%. In summary, the available evidence is currently insufficient to determine the role of this variant in disease. Therefore, it has been classified as a Variant of Uncertain Significance.

GeneDx
Classification: Uncertain significance. Last evaluated: 2019-11-04. Review status: criteria provided, single submitter. Criteria: GeneDx Variant Classification Process June 2021. Collection method: clinical testing. Allele origin: germline. Affected: yes.
Comment: Not observed in large population cohorts (Lek et al., 2016); In silico analysis, which includes protein predictors and evolutionary conservation, supports a deleterious effect; Has not been previously published as pathogenic or benign to our knowledge

PreventionGenetics, part of Exact Sciences
Classification: Uncertain significance for EP300-related condition. Last evaluated: 2023-11-08. Review status: no assertion criteria provided. Collection method: clinical testing. Allele origin: germline. Not counted in ClinVar's aggregate classification.
Comment: The EP300 c.2838C>G variant is predicted to result in the amino acid substitution p.Ser946Arg. To our knowledge, this variant has not been reported in the literature or in a large population database, indicating this variant is rare. At this time, the clinical significance of this variant is uncertain due to the absence of conclusive functional and genetic evidence.